The following is an entry in ClinVar:

NM_017755.6(NSUN2):c.*50T>G

Gene: NSUN2 (NOP2/Sun RNA methyltransferase 2; minus strand). Cytogenetic location: 5p15.31.
Variant type: single nucleotide variant.
Coding change: c.*50T>G on transcript NM_017755.6 (MANE Select); 50 bases downstream of the stop codon, T replaced by G.
Molecular consequence: 3 prime UTR variant. On other transcripts: non-coding transcript variant (1).
Genome position (GRCh38, 1-based): chr5:6,599,876, A>C on the plus strand (T>G on the coding strand, the complement: NSUN2 is on the minus strand). VCF-style: chr5-6599876-A-C. GRCh37 (hg19) VCF-style: chr5-6599989-A-C.
Other names: c.*50T>G (NM_001193455.2).
Identifiers: ClinVar variation 354044 (VCV000354044.9), dbSNP rs56282400, ClinGen allele CA3192104.
Genomic context (GRCh38, chr5:6,599,876, plus strand): 5'-TATATGCTTTACAGGCCACAGGCTGCTCTGGATTTGGTTTCAGACACCAGTGACCAGAAG[A>C]AGCCAGTTTTGCGTGTGAGGGGTGTGGGCCCCCGCTGCCTTGGGCCTGCTCACCGGGGTG-3'

ClinVar aggregate classification (germline): Benign/Likely benign. Review status: criteria provided, multiple submitters, no conflicts (2 of 4 stars). 3 submissions from 3 submitters: Benign (1); Likely benign (2). Last evaluated 2018-11-02.

Conditions:
Intellectual developmental disorder, autosomal recessive 5. Also called: Intellectual disability, autosomal recessive 5. Identifiers: Orphanet 88616, MedGen C1970199, MONDO:0012613, OMIM 611091.

Allele frequency attached by ClinVar (database versions not stated): 1000 Genomes Project 30x 0.00890; 1000 Genomes Project 0.00899; ExAC 0.01295; gnomAD 0.01315 and 0.01331; ESP Exome Variant Server 0.01492; TOPMed 0.01372; gnomAD exomes 0.01288.
gnomAD v4.1: 28,531 of 1,551,342 alleles (1.8%); highest among the groups gnomAD compares: Non-Finnish European, 2.3%; 338 homozygotes.

Submissions (3):

GeneDx
Classification: Likely benign. Last evaluated: 2018-11-02. Review status: criteria provided, single submitter. Criteria: GeneDx Variant Classification Process June 2021. Collection method: clinical testing. Allele origin: germline. Affected: yes.

Illumina Laboratory Services, Illumina
Classification: Benign for Intellectual developmental disorder, autosomal recessive 5. Last evaluated: 2018-01-13. Review status: criteria provided, single submitter. Criteria: ICSL Variant Classification Criteria 13 December 2019. Collection method: clinical testing. Allele origin: germline.
Comment: This variant was observed in the ICSL laboratory as part of a predisposition screen in an ostensibly healthy population. It had not been previously curated by ICSL or reported in the Human Gene Mutation Database (HGMD: prior to June 1st, 2018), and was therefore a candidate for classification through an automated scoring system. Utilizing variant allele frequency, disease prevalence and penetrance estimates, and inheritance mode, an automated score was calculated to assess if this variant is too frequent to cause the disease. Based on the score and internal cut-off values, a variant classified as benign is not then subjected to further curation. The score for this variant resulted in a classification of benign for this disease.

Breakthrough Genomics
Classification: Likely benign. Review status: criteria provided, single submitter. Criteria: ACMG Guidelines, 2015. Collection method: not provided. Allele origin: germline. Inheritance: Autosomal recessive inheritance. Affected: yes.